The following is an entry in ClinVar:

NM_001365536.1(SCN9A):c.5657G>A (p.Arg1886Gln)

Genes: SCN9A (sodium voltage-gated channel alpha subunit 9; minus strand), SCN1A-AS1 (SCN1A and SCN9A antisense RNA 1; plus strand). Cytogenetic location: 2q24.3.
Variant type: single nucleotide variant.
Coding change: c.5657G>A on transcript NM_001365536.1 (MANE Select); coding-DNA position 5657, G replaced by A.
Protein change: p.Arg1886Gln; replaces arginine 1886 with glutamine.
Molecular consequence: missense variant.
Genome position (GRCh38, 1-based): chr2:166,198,982, C>T on the plus strand (G>A on the coding strand, the complement: SCN9A is on the minus strand). VCF-style: chr2-166198982-C-T. GRCh37 (hg19) VCF-style: chr2-167055492-C-T.
Other names: c.5624G>A, p.Arg1875Gln (NM_002977.4); short protein forms R1875Q, R1886Q.
Identifiers: ClinVar variation 471148 (VCV000471148.9), dbSNP rs774488202, ClinGen allele CA1943642.
Genomic context (GRCh38, chr2:166,198,982, plus strand): 5'-CTTAAGCGGTAACGTCTATAAGCACGCTGAATGACAGTAGCAGACACATCCTCTTGTTTC[C>T]GTTTTAGTGTGGTTGTGATGGGTTCATAGGACACTTTGGAAGGATTTGCAGACATGAACC-3'
Protein context (NP_001352465.1, residues 1876-1896): SYEPITTTLK[Arg1886Gln]KQEDVSATVI

ClinVar aggregate classification (germline): Uncertain significance (1 of 4 stars; one submission).

Conditions:
Neuropathy, hereditary sensory and autonomic, type 2A (HSAN2A). Also called: ACROOSTEOLYSIS, NEUROGENIC; ACROOSTEOLYSIS, GIACCAI TYPE; MORVAN DISEASE; NEUROPATHY, CONGENITAL SENSORY; NEUROPATHY, HEREDITARY SENSORY RADICULAR, AUTOSOMAL RECESSIVE; NEUROPATHY, HEREDITARY SENSORY, TYPE IIA. Identifiers: Orphanet 970, MedGen C2752089, MONDO:0024309, OMIM 201300.
Generalized epilepsy with febrile seizures plus, type 7 (GEFSP7). Also called: GEFS+, TYPE 7. Identifiers: Orphanet 36387, MedGen C2751778, MONDO:0013470, OMIM 613863.

Allele frequency attached by ClinVar (database versions not stated): TOPMed below 0.00001; gnomAD 0.00001; gnomAD exomes 0.00001 and 0.00002; ExAC 0.00002.
gnomAD v4.1: 11 of 1,613,856 alleles (0.00068%); highest among the groups gnomAD compares: East Asian, 0.0045%; no homozygotes.

Submission:

Labcorp Genetics (formerly Invitae), Labcorp
Classification: Uncertain significance for Neuropathy, hereditary sensory and autonomic, type 2A; Generalized epilepsy with febrile seizures plus, type 7. Last evaluated: 2025-03-17. Review status: criteria provided, single submitter. Criteria: Invitae Variant Classification Sherloc (09022015). Collection method: clinical testing. Allele origin: germline.
Comment: This sequence change replaces arginine, which is basic and polar, with glutamine, which is neutral and polar, at codon 1875 of the SCN9A protein (p.Arg1875Gln). This variant is present in population databases (rs774488202, gnomAD 0.007%). This variant has not been reported in the literature in individuals affected with SCN9A-related conditions. ClinVar contains an entry for this variant (Variation ID: 471148). Invitae Evidence Modeling of protein sequence and biophysical properties (such as structural, functional, and spatial information, amino acid conservation, physicochemical variation, residue mobility, and thermodynamic stability) indicates that this missense variant is not expected to disrupt SCN9A protein function with a negative predictive value of 95%. In summary, the available evidence is currently insufficient to determine the role of this variant in disease. Therefore, it has been classified as a Variant of Uncertain Significance.